The following is an entry in ClinVar:

NM_000088.4(COL1A1):c.224G>T (p.Cys75Phe)

Gene: COL1A1 (collagen type I alpha 1 chain; minus strand). Cytogenetic location: 17q21.33.
Variant type: single nucleotide variant.
Coding change: c.224G>T on transcript NM_000088.4 (MANE Select); coding-DNA position 224, G replaced by T.
Protein change: p.Cys75Phe; replaces cysteine 75 with phenylalanine.
Molecular consequence: missense variant.
Genome position (GRCh38, 1-based): chr17:50,199,827, C>A on the plus strand (G>T on the coding strand, the complement: COL1A1 is on the minus strand). VCF-style: chr17-50199827-C-A. GRCh37 (hg19) VCF-style: chr17-48277188-C-A.
Other names: short protein forms C75F.
Identifiers: ClinVar variation 1996457 (VCV001996457.4), dbSNP rs2509258682, ClinGen allele CA400228248.

ClinVar aggregate classification (germline): Uncertain significance (1 of 4 stars; one submission).

Conditions:
Osteogenesis imperfecta type I (OI1). Also called: Lobstein disease; Lobstein's Disease; OI, TYPE I; OSTEOGENESIS IMPERFECTA TARDA; OSTEOGENESIS IMPERFECTA WITH BLUE SCLERAE; Osteogenesis imperfecta type 1. Identifiers: Orphanet 216796, Orphanet 666, MedGen C0023931, MONDO:0008146, OMIM 166200. Disease mechanism: loss of function.

Submission:

Labcorp Genetics (formerly Invitae), Labcorp
Classification: Uncertain significance for Osteogenesis imperfecta type I. Last evaluated: 2022-05-19. Review status: criteria provided, single submitter. Criteria: Invitae Variant Classification Sherloc (09022015). Collection method: clinical testing. Allele origin: germline.
Comment: Advanced modeling of protein sequence and biophysical properties (such as structural, functional, and spatial information, amino acid conservation, physicochemical variation, residue mobility, and thermodynamic stability) performed at Invitae indicates that this missense variant is expected to disrupt COL1A1 protein function. In summary, the available evidence is currently insufficient to determine the role of this variant in disease. Therefore, it has been classified as a Variant of Uncertain Significance. This sequence change replaces cysteine, which is neutral and slightly polar, with phenylalanine, which is neutral and non-polar, at codon 75 of the COL1A1 protein (p.Cys75Phe). This variant is not present in population databases (gnomAD no frequency). This variant has not been reported in the literature in individuals affected with COL1A1-related conditions.